The following is an entry in ClinVar:

ClinVar aggregate classification (germline): Likely benign. Review status: criteria provided, multiple submitters, no conflicts (2 of 4 stars). 2 submissions from 2 submitters: Likely benign (2). Last evaluated 2026-05-01.

Allele frequency attached by ClinVar (database versions not stated): gnomAD 0.00001; gnomAD exomes 0.00001; TOPMed 0.00001.
gnomAD v4.1: 13 of 1,614,012 alleles (0.00081%); highest among the groups gnomAD compares: East Asian, 0.016%; no homozygotes.

Submissions (2):

CeGaT Center for Human Genetics Tuebingen
Classification: Likely benign. Last evaluated: 2026-05-01. Review status: criteria provided, single submitter. Criteria: CeGaT Center For Human Genetics Tuebingen Variant Classification Criteria Version 2. Collection method: clinical testing. Allele origin: germline. Affected: yes. Observed: 1 variant allele.
Comment: PTPN23: BP4, BP7

Labcorp Genetics (formerly Invitae), Labcorp
Classification: Likely benign. Last evaluated: 2024-05-15. Review status: criteria provided, single submitter. Criteria: Invitae Variant Classification Sherloc (09022015). Collection method: clinical testing. Allele origin: germline.

NM_015466.4(PTPN23):c.1878C>T (p.Val626=)

Gene: PTPN23 (protein tyrosine phosphatase non-receptor type 23; plus strand). Cytogenetic location: 3p21.31.
Variant type: single nucleotide variant.
Coding change: c.1878C>T on transcript NM_015466.4 (MANE Select); coding-DNA position 1878, C replaced by T.
Protein change: p.Val626=; no amino-acid change (valine 626 retained).
Molecular consequence: synonymous variant.
Genome position (GRCh38, 1-based): chr3:47,409,497, C>T. VCF-style: chr3-47409497-C-T. GRCh37 (hg19) VCF-style: chr3-47450987-C-T.
Other names: c.1500C>T, p.Val500= (NM_001304482.2).
Identifiers: ClinVar variation 2161372 (VCV002161372.6), dbSNP rs1413744775, ClinGen allele CA433604701.